The following is an entry in ClinVar:

ClinVar aggregate classification (germline): Likely benign (1 of 4 stars; one submission).

Allele frequency attached by ClinVar (database versions not stated): gnomAD exomes 0.00001 and 0.00002; TOPMed 0.00002.
gnomAD v4.1: 13 of 1,520,856 alleles (0.00085%); highest among the groups gnomAD compares: Admixed American, 0.0058%; no homozygotes.

Submission:

GeneDx
Classification: Likely benign. Last evaluated: 2018-04-30. Review status: criteria provided, single submitter. Criteria: GeneDx Variant Classification (06012015). Collection method: clinical testing. Allele origin: germline. Affected: yes.
Comment: This variant is considered likely benign or benign based on one or more of the following criteria: it is a conservative change, it occurs at a poorly conserved position in the protein, it is predicted to be benign by multiple in silico algorithms, and/or has population frequency not consistent with disease.

NM_001080779.2(MYO1C):c.1044G>A (p.Thr348=)

Gene: MYO1C (myosin IC; minus strand). Cytogenetic location: 17p13.3.
Variant type: single nucleotide variant.
Coding change: c.1044G>A on transcript NM_001080779.2 (MANE Select); coding-DNA position 1044, G replaced by A.
Protein change: p.Thr348=; no amino-acid change (threonine 348 retained).
Molecular consequence: synonymous variant.
Genome position (GRCh38, 1-based): chr17:1,479,479, C>T on the plus strand (G>A on the coding strand, the complement: MYO1C is on the minus strand). VCF-style: chr17-1479479-C-T. GRCh37 (hg19) VCF-style: chr17-1382773-C-T.
Other names: c.987G>A, p.Thr329= (NM_001080950.2); c.972G>A, p.Thr324= (NM_001363855.1); c.939G>A, p.Thr313= (NM_033375.5).
Identifiers: ClinVar variation 682296 (VCV000682296.1), dbSNP rs994003614, ClinGen allele CA286795754.